The following is an entry in ClinVar:

NM_000038.6(APC):c.8207C>G (p.Thr2736Ser)

Gene: APC (APC regulator of Wnt signaling pathway; plus strand). Cytogenetic location: 5q22.2.
Variant type: single nucleotide variant.
Coding change: c.8207C>G on transcript NM_000038.6 (MANE Select); coding-DNA position 8207, C replaced by G.
Protein change: p.Thr2736Ser; replaces threonine 2736 with serine.
Molecular consequence: missense variant.
Genome position (GRCh38, 1-based): chr5:112,843,801, C>G. VCF-style: chr5-112843801-C-G. GRCh37 (hg19) VCF-style: chr5-112179498-C-G.
Other names: c.8207C>G, p.Thr2736Ser (NM_001127510.3, NM_001354895.2); c.8153C>G, p.Thr2718Ser (NM_001127511.3); c.8261C>G, p.Thr2754Ser (NM_001354896.2); c.8237C>G, p.Thr2746Ser (NM_001354897.2); c.8132C>G, p.Thr2711Ser (NM_001354898.2); c.8123C>G, p.Thr2708Ser (NM_001354899.2); c.8084C>G, p.Thr2695Ser (NM_001354900.2); c.8030C>G, p.Thr2677Ser (NM_001354901.2); and 5 more; short protein forms T2453S, T2576S, T2610S, T2635S, T2645S, T2677S, T2695S, T2708S.
Identifiers: ClinVar variation 1063200 (VCV001063200.14), dbSNP rs1291474243, ClinGen allele CA16039148.

ClinVar aggregate classification (germline): Uncertain significance. Review status: criteria provided, multiple submitters, no conflicts (2 of 4 stars). 3 submissions from 3 submitters: Uncertain significance (3). Last evaluated 2025-01-10.

Conditions:
Hereditary cancer-predisposing syndrome. Also called: Hereditary Cancer Syndrome; Hereditary neoplastic syndrome; Neoplastic Syndromes, Hereditary; Tumor predisposition. Identifiers: Orphanet 140162, MedGen C0027672, MeSH D009386, MONDO:0015356.
Familial adenomatous polyposis 1 (FAP1). Also called: POLYPOSIS, ADENOMATOUS INTESTINAL; FAMILIAL ADENOMATOUS POLYPOSIS 1, ATTENUATED. Identifiers: MedGen C2713442, MONDO:0021056, OMIM 175100. Disease mechanism: loss of function.

Submissions (3):

Ambry Genetics
Classification: Uncertain significance for Hereditary cancer-predisposing syndrome. Last evaluated: 2025-01-10. Review status: criteria provided, single submitter. Criteria: Ambry Variant Classification Scheme 2023. Collection method: clinical testing. Allele origin: germline.
Comment: The p.T2736S variant (also known as c.8207C>G), located in coding exon 15 of the APC gene, results from a C to G substitution at nucleotide position 8207. The threonine at codon 2736 is replaced by serine, an amino acid with similar properties. This amino acid position is well conserved in available vertebrate species. Missense alterations in APC are not a common cause of disease (Spier I et al. Genet Med. 2024 Feb;26(2):100992). In addition, in silico predictors for this gene do not accurately predict pathogenicity. Since supporting evidence is limited at this time, the clinical significance of this alteration remains unclear.

Labcorp Genetics (formerly Invitae), Labcorp
Classification: Uncertain significance for Familial adenomatous polyposis 1. Last evaluated: 2024-08-08. Review status: criteria provided, single submitter. Criteria: Invitae Variant Classification Sherloc (09022015). Collection method: clinical testing. Allele origin: germline.
Comment: This sequence change replaces threonine, which is neutral and polar, with serine, which is neutral and polar, at codon 2736 of the APC protein (p.Thr2736Ser). This variant is not present in population databases (gnomAD no frequency). This variant has not been reported in the literature in individuals affected with APC-related conditions. ClinVar contains an entry for this variant (Variation ID: 1063200). Advanced modeling of protein sequence and biophysical properties (such as structural, functional, and spatial information, amino acid conservation, physicochemical variation, residue mobility, and thermodynamic stability) performed at Invitae indicates that this missense variant is not expected to disrupt APC protein function with a negative predictive value of 95%. In summary, the available evidence is currently insufficient to determine the role of this variant in disease. Therefore, it has been classified as a Variant of Uncertain Significance.

Baylor Genetics
Classification: Uncertain significance for Familial adenomatous polyposis 1. Last evaluated: 2023-05-22. Review status: criteria provided, single submitter. Criteria: ACMG Guidelines, 2015. Collection method: clinical testing. Allele origin: unknown.